The following is an entry in ClinVar:

ClinVar aggregate classification (germline): Conflicting classifications of pathogenicity. Review status: criteria provided, conflicting classifications (1 of 4 stars). 12 submissions from 12 submitters: Likely pathogenic (1); Uncertain significance (9). 2 of the submissions do not count toward it. Last evaluated 2025-12-22.

Conditions:
DSG2-related disorder. Also called: DSG2-related condition.
Cardiovascular phenotype. Identifiers: MedGen CN230736.
Arrhythmogenic right ventricular cardiomyopathy (ARVD). Also called: Arrhythmogenic right ventricular dysplasia; Cardiomyopathy, ARVC; Arrhythmogenic cardiomyopathy; Arrhythmogenic Right Ventricular Cardiomyopathy (ARVC). Identifiers: Orphanet 247, MedGen C0349788, MeSH D019571, MONDO:0016587. Disease mechanism: loss of function. Inheritance: Various modes of inheritance.
Cardiomyopathy (CMYO). Also called: Cardiomyopathies. Identifiers: Orphanet 167848, MedGen C0878544, MONDO:0004994, HP:0001638. Inheritance: Various modes of inheritance.
Arrhythmogenic right ventricular dysplasia 10. Also called: Arrhythmogenic Right Ventricular Dysplasia/Cardiomyopathy10; ARRHYTHMOGENIC RIGHT VENTRICULAR DYSPLASIA, FAMILIAL, 10; Arrhythmogenic right ventricular dysplasia/cardiomyopathy, type 10. Identifiers: MedGen C1857777, MONDO:0012434, OMIM 610193.
Hypertrophic cardiomyopathy. Also called: HYPERTROPHIC MYOCARDIOPATHY. Identifiers: Orphanet 217569, MedGen C0007194, MeSH D002312, MONDO:0005045, HP:0001639.

Allele frequency attached by ClinVar (database versions not stated): TOPMed 0.00007; gnomAD 0.00016.
gnomAD v4.1: 59 of 1,614,012 alleles (0.0037%); highest among the groups gnomAD compares: Middle Eastern, 0.049%; no homozygotes.

Submissions 1 to 5 of 12:

Labcorp Genetics (formerly Invitae), Labcorp
Classification: Uncertain significance for Arrhythmogenic right ventricular dysplasia 10. Last evaluated: 2025-12-22. Review status: criteria provided, single submitter. Criteria: Invitae Variant Classification Sherloc (09022015). Collection method: clinical testing. Allele origin: germline.
Comment: This sequence change replaces glycine, which is neutral and non-polar, with serine, which is neutral and polar, at codon 812 of the DSG2 protein (p.Gly812Ser). This variant is present in population databases (rs121913010, gnomAD 0.009%). This missense change has been observed in individual(s) with DSG2-related conditions (PMID: 20031617, 20708101, 27532257, 28454995, 30847666, 32516855). It has also been observed to segregate with disease in related individuals. ClinVar contains an entry for this variant (Variation ID: 199817). Invitae Evidence Modeling of protein sequence and biophysical properties (such as structural, functional, and spatial information, amino acid conservation, physicochemical variation, residue mobility, and thermodynamic stability) indicates that this missense variant is not expected to disrupt DSG2 protein function with a negative predictive value of 95%. Experimental studies are conflicting or provide insufficient evidence to determine the effect of this variant on DSG2 function (PMID: 20708101, 25213555). This variant disrupts the p.Gly812 amino acid residue in DSG2. Other variant(s) that disrupt this residue have been observed in individuals with DSG2-related conditions (PMID: 16773573), which suggests that this may be a clinically significant amino acid residue. In summary, the available evidence is currently insufficient to determine the role of this variant in disease. Therefore, it has been classified as a Variant of Uncertain Significance.

PreventionGenetics, part of Exact Sciences
Classification: Uncertain significance for DSG2-related condition. Last evaluated: 2025-08-30. Review status: criteria provided, single submitter. Criteria: ACMG Guidelines, 2015. Collection method: clinical testing. Allele origin: germline.
Comment: The DSG2 c.2434G>A variant is predicted to result in the amino acid substitution p.Gly812Ser. This variant has been reported in individuals with arrhythmogenic right ventricular cardiomyopathy (ARVC) (Table S1A, Walsh et al. 2017. PubMed ID: 27532257; supplementary data, Alfares et al. 2017. PubMed ID: 28454995; Caforio et al. 2020. PubMed ID: 32114801; Delasnerie et al. 2023. PubMed ID: 36621286), left ventricular noncompaction cardiomyopathy (Hawley et al. 2020. PubMed ID: 32516855), unspecified cardiomyopathy (online supplementary file 2, van Lint et al. 2019. PubMed ID: 30847666), and one case of stillbirth (Sahlin et al. 2019. PubMed ID: 30615648), although some of these individuals also carried additional variants. This variant appeared to segregate with ARVC in a family, but one family member with a borderline diagnosis did not carry this variant (Gehmlich et al. 2010. PubMed ID: 20708101). In vitro studies showed that this variant did not affect protein stability, localization, or binding affinity; however, endomyocardial biopsy from affected individuals did demonstrate reduced expression of certain desmosomal proteins (Gehmlich et al. 2010. PubMed ID: 20708101; Schlipp et al. 2014. PubMed ID: 25213555). This variant is reported in 0.0085% of alleles in individuals of Latino descent in gnomAD and is interpreted as uncertain by most of the laboratories in ClinVar (Variation ID: 199817). An alternate missense change at the same amino acid position (p.Gly812Cys) has been reported in individuals with ARVC (see for example: Tan et al. 2010. PubMed ID: 20857253). At this time, the clinical significance of the c.2434G>A (p.Gly812Ser) variant is uncertain due to the absence of conclusive functional and genetic evidence.

Color Diagnostics, LLC DBA Color Health
Classification: Uncertain significance for Cardiomyopathy. Last evaluated: 2025-03-03. Review status: criteria provided, single submitter. Criteria: ACMG Guidelines, 2015. Collection method: clinical testing. Allele origin: germline.
Comment: This missense variant replaces glycine with serine at codon 812 of the DSG2 protein. Computational prediction suggests that this variant may not impact protein structure and function. An experimental study has suggested that this variant does not cause significant loss of cell-cell cohesion in vitro (PMID: 25213555). This variant has been identified in four individuals affected with arrhythmogenic right ventricular cardiomyopathy in one family and was absent in five unaffected family members (PMID: 20708101). This variant has been reported in another six individuals affected with or suspected to be affected with arrhythmogenic right ventricular cardiomyopathy (PMID: 27532257, 28454995, 28567303, 32114801, 36621286); in an individual affected with left ventricular noncompaction cardiomyopathy after pericarditis (PMID: 32516855); in an individual with unspecified cardiomyopathy (PMID: 30847666); and in a few exome-sequencing participants not selected for cardiomyopathy phenotype (PMID: 24055113, 26633542). This variant has also been identified in 11/280834 chromosomes in the general population by the Genome Aggregation Database (gnomAD). The available evidence is insufficient to determine the role of this variant in disease conclusively. Therefore, this variant is classified as a Variant of Uncertain Significance.

Ambry Genetics
Classification: Uncertain significance for Cardiovascular phenotype. Last evaluated: 2024-12-30. Review status: criteria provided, single submitter. Criteria: Ambry Variant Classification Scheme 2023. Collection method: clinical testing. Allele origin: germline.
Comment: The p.G812S variant (also known as c.2434G>A), located in coding exon 15 of the DSG2 gene, results from a G to A substitution at nucleotide position 2434. The glycine at codon 812 is replaced by serine, an amino acid with similar properties. This alteration has been reported in individuals with features consistent with arrhythmogenic right ventricular cardiomyopathy (ARVC), but has also been detected in individuals without significant ARVC findings (Gehmlich K et al. Heart Rhythm, 2010 Oct;7:1446-53; Retterer K et al. Genet. Med., 2016 07;18:696-704; Stavropoulos DJ et al. NPJ Genom Med, 2016 Jan;1; Walsh R et al. Genet. Med., 2017 02;19:192-203;pers. comm.; Ambry internal data). This alteration was reported to segregate with disease in a family with ARVC; however, one young relative with a borderline ARVC diagnosis was negative for this variant (Gehmlich K et al, Heart Rhythm 2010 Oct; 7(10):1446-53). In vitro functional studies have not detected a negative impact on DSG2 function; however, these studies may not reflect in vivo function (Gehmlich K et al, Heart Rhythm 2010 Oct; 7(10):1446-53; Schlipp A et al. Cardiovasc. Res., 2014 Nov;104:245-5). This amino acid position is highly conserved in available vertebrate species. In addition, this alteration is predicted to be deleterious by in silico analysis. Based on the available evidence, the clinical significance of this variant remains unclear.

Clinical Genetics Laboratory, Skane University Hospital Lund
Classification: Uncertain significance for Hypertrophic cardiomyopathy. Last evaluated: 2024-12-12. Review status: criteria provided, single submitter. Criteria: ACMG Guidelines, 2015. Collection method: clinical testing. Allele origin: germline. Affected: yes.
Comment: ACMG: BS2

NM_001943.5(DSG2):c.2434G>A (p.Gly812Ser)

Genes: DSG2 (desmoglein 2; plus strand), DSG2-AS1 (DSG2 antisense RNA 1; minus strand). Cytogenetic location: 18q12.1.
Variant type: single nucleotide variant.
Coding change: c.2434G>A on transcript NM_001943.5 (MANE Select); coding-DNA position 2434, G replaced by A.
Protein change: p.Gly812Ser; replaces glycine 812 with serine.
Molecular consequence: missense variant. On other transcripts: non-coding transcript variant (1).
Genome position (GRCh38, 1-based): chr18:31,545,820, G>A. VCF-style: chr18-31545820-G-A. GRCh37 (hg19) VCF-style: chr18-29125783-G-A.
Other names: c.2434G>A (LRG_397t1); short protein forms G812S.
Identifiers: ClinVar variation 199817 (VCV000199817.70), dbSNP rs121913010, ClinGen allele CA021788.